The following is an entry in ClinVar:

NM_152703.5(SAMD9L):c.3650T>C (p.Phe1217Ser)

Gene: SAMD9L (sterile alpha motif domain containing 9 like; minus strand). Cytogenetic location: 7q21.2.
Variant type: single nucleotide variant.
Coding change: c.3650T>C on transcript NM_152703.5 (MANE Select); coding-DNA position 3650, T replaced by C.
Protein change: p.Phe1217Ser; replaces phenylalanine 1217 with serine.
Molecular consequence: missense variant.
Genome position (GRCh38, 1-based): chr7:93,132,322, A>G on the plus strand (T>C on the coding strand, the complement: SAMD9L is on the minus strand). VCF-style: chr7-93132322-A-G. GRCh37 (hg19) VCF-style: chr7-92761635-A-G.
Other names: c.3650T>C, p.Phe1217Ser (NM_001303496.3, NM_001303497.3, NM_001303498.3 and 5 more transcripts); short protein forms F1217S.
Identifiers: ClinVar variation 3949967 (VCV003949967.3).

ClinVar aggregate classification (germline): Uncertain significance. Review status: criteria provided, multiple submitters, no conflicts (2 of 4 stars). 2 submissions from 2 submitters: Uncertain significance (2). Last evaluated 2025-05-27.

Conditions:
Inborn genetic diseases. Identifiers: MedGen C0950123, MeSH D030342.

Submissions (2):

Ambry Genetics
Classification: Uncertain significance for Inborn genetic diseases. Last evaluated: 2025-05-27. Review status: criteria provided, single submitter. Criteria: Ambry Variant Classification Scheme 2023. Collection method: clinical testing. Allele origin: germline.
Comment: The p.F1217S variant (also known as c.3650T>C), located in coding exon 1 of the SAMD9L gene, results from a T to C substitution at nucleotide position 3650. The phenylalanine at codon 1217 is replaced by serine, an amino acid with highly dissimilar properties. This amino acid position is conserved. In addition, this alteration is predicted to be tolerated by in silico analysis. Based on the available evidence, the clinical significance of this variant remains unclear.

Dasa
Classification: Uncertain significance. Last evaluated: 2025-02-08. Review status: criteria provided, single submitter. Criteria: DASA Assertion Criteria. Collection method: clinical testing. Allele origin: germline.
Comment: NM_152703.5(SAMD9L):c.3650T>C (p.Phe1217Ser) is a missense variant that results in the substitution of phenylalanine with serine. This variant is absent from population databases. Computational prediction algorithms are consistent with a benign effect. The currently available literature and clinical evidence are not sufficient to establish a definitive association between this variant and the reported condition. Therefore, this variant is classified as a variant of uncertain significance.